The following is an entry in ClinVar:

ClinVar aggregate classification (germline): Uncertain significance (1 of 4 stars; one submission).

Allele frequency attached by ClinVar (database versions not stated): gnomAD exomes below 0.00001; TOPMed below 0.00001.

Submission:

Labcorp Genetics (formerly Invitae), Labcorp
Classification: Uncertain significance. Last evaluated: 2024-02-24. Review status: criteria provided, single submitter. Criteria: Invitae Variant Classification Sherloc (09022015). Collection method: clinical testing. Allele origin: germline.
Comment: This sequence change replaces arginine, which is basic and polar, with histidine, which is basic and polar, at codon 363 of the SEMA4A protein (p.Arg363His). This variant is not present in population databases (gnomAD no frequency). This variant has not been reported in the literature in individuals affected with SEMA4A-related conditions. ClinVar contains an entry for this variant (Variation ID: 1923311). Advanced modeling of protein sequence and biophysical properties (such as structural, functional, and spatial information, amino acid conservation, physicochemical variation, residue mobility, and thermodynamic stability) performed at Invitae indicates that this missense variant is not expected to disrupt SEMA4A protein function with a negative predictive value of 80%. In summary, the available evidence is currently insufficient to determine the role of this variant in disease. Therefore, it has been classified as a Variant of Uncertain Significance.

NM_022367.4(SEMA4A):c.1088G>A (p.Arg363His)

Gene: SEMA4A (semaphorin 4A; plus strand). Cytogenetic location: 1q22.
Variant type: single nucleotide variant.
Coding change: c.1088G>A on transcript NM_022367.4 (MANE Select); coding-DNA position 1088, G replaced by A.
Protein change: p.Arg363His; replaces arginine 363 with histidine.
Molecular consequence: missense variant.
Genome position (GRCh38, 1-based): chr1:156,163,048, G>A. VCF-style: chr1-156163048-G-A. GRCh37 (hg19) VCF-style: chr1-156132839-G-A.
Other names: c.1088G>A, p.Arg363His (NM_001193300.2, NM_001193301.2, NM_001370567.1); c.692G>A, p.Arg231His (NM_001193302.2); c.791G>A, p.Arg264His (NM_001370568.1); c.581G>A, p.Arg194His (NM_001370569.1, NM_001370571.1); short protein forms R194H, R363H, R231H, R264H.
Identifiers: ClinVar variation 1923311 (VCV001923311.5), dbSNP rs1480216969, ClinGen allele CA342840678.